The following is an entry in ClinVar:

NM_000057.4(BLM):c.3955A>G (p.Ile1319Val)

Gene: BLM (BLM RecQ like helicase; plus strand). Cytogenetic location: 15q26.1.
Variant type: single nucleotide variant.
Coding change: c.3955A>G on transcript NM_000057.4 (MANE Select); coding-DNA position 3955, A replaced by G.
Protein change: p.Ile1319Val; replaces isoleucine 1319 with valine.
Molecular consequence: missense variant.
Genome position (GRCh38, 1-based): chr15:90,811,285, A>G. VCF-style: chr15-90811285-A-G. GRCh37 (hg19) VCF-style: chr15-91354515-A-G.
Other names: c.3955A>G (NM_000057.3); c.3955A>G, p.Ile1319Val (NM_001287246.2); c.3562A>G, p.Ile1188Val (NM_001287247.2); c.2830A>G, p.Ile944Val (NM_001287248.2); short protein forms I1188V, I944V, I1319V.
Identifiers: ClinVar variation 1736466 (VCV001736466.6), dbSNP rs2077728254, ClinGen allele CA393850863.

ClinVar aggregate classification (germline): Uncertain significance. Review status: criteria provided, multiple submitters, no conflicts (2 of 4 stars). 3 submissions from 3 submitters: Uncertain significance (3). Last evaluated 2024-10-08.

Conditions:
Hereditary cancer-predisposing syndrome. Also called: Neoplastic Syndromes, Hereditary; Tumor predisposition; Hereditary Cancer Syndrome; Hereditary neoplastic syndrome. Identifiers: Orphanet 140162, MedGen C0027672, MeSH D009386, MONDO:0015356.
Bloom syndrome (BLM). Also called: Bloom-Torre-Machacek syndrome. Identifiers: Orphanet 125, MedGen C0005859, MONDO:0008876, OMIM 210900.

Submissions (3):

Quest Diagnostics Nichols Institute San Juan Capistrano
Classification: Uncertain significance. Last evaluated: 2024-10-08. Review status: criteria provided, single submitter. Criteria: Quest Diagnostics criteria. Collection method: clinical testing. Allele origin: unknown.
Comment: The BLM c.3955A>G (p.Ile1319Val) variant has not been reported in individuals with BLM-related conditions in the published literature. It also has not been reported in large, multi-ethnic general populations (Genome Aggregation Database). Analysis of this variant using bioinformatics tools for the prediction of the effect of amino acid changes on protein structure and function yielded predictions that this variant is benign. Based on the available information, we are unable to determine the clinical significance of this variant.

Ambry Genetics
Classification: Uncertain significance for Hereditary cancer-predisposing syndrome. Last evaluated: 2024-04-27. Review status: criteria provided, single submitter. Criteria: Ambry Variant Classification Scheme 2023. Collection method: clinical testing. Allele origin: germline.
Comment: The p.I1319V variant (also known as c.3955A>G), located in coding exon 20 of the BLM gene, results from an A to G substitution at nucleotide position 3955. The isoleucine at codon 1319 is replaced by valine, an amino acid with highly similar properties. This amino acid position is conserved. In addition, this alteration is predicted to be tolerated by in silico analysis. Since supporting evidence is limited at this time, the clinical significance of this alteration remains unclear.

Labcorp Genetics (formerly Invitae), Labcorp
Classification: Uncertain significance for Bloom syndrome. Last evaluated: 2022-02-20. Review status: criteria provided, single submitter. Criteria: Invitae Variant Classification Sherloc (09022015). Collection method: clinical testing. Allele origin: germline.
Comment: This sequence change replaces isoleucine, which is neutral and non-polar, with valine, which is neutral and non-polar, at codon 1319 of the BLM protein (p.Ile1319Val). This variant is not present in population databases (gnomAD no frequency). This variant has not been reported in the literature in individuals affected with BLM-related conditions. Algorithms developed to predict the effect of missense changes on protein structure and function (SIFT, PolyPhen-2, Align-GVGD) all suggest that this variant is likely to be tolerated. Algorithms developed to predict the effect of sequence changes on RNA splicing suggest that this variant may create or strengthen a splice site. In summary, the available evidence is currently insufficient to determine the role of this variant in disease. Therefore, it has been classified as a Variant of Uncertain Significance.